The following is an entry in ClinVar:

ClinVar aggregate classification (germline): Conflicting classifications of pathogenicity. Review status: criteria provided, conflicting classifications (1 of 4 stars). 3 submissions from 3 submitters: Uncertain significance (2); Likely benign (1). Last evaluated 2024-02-05.

Conditions:
Inborn genetic diseases. Identifiers: MedGen C0950123, MeSH D030342.

Allele frequency attached by ClinVar (database versions not stated): gnomAD exomes below 0.00001 and 0.00001; ExAC 0.00007.
gnomAD v4.1: 5 of 1,595,448 alleles (0.00031%); highest among the groups gnomAD compares: Admixed American, 0.0017%; no homozygotes.

Submissions (3):

Ambry Genetics
Classification: Likely benign for Inborn genetic diseases. Last evaluated: 2024-02-05. Review status: criteria provided, single submitter. Criteria: Ambry Variant Classification Scheme 2023. Collection method: clinical testing. Allele origin: germline.

Blueprint Genetics
Classification: Uncertain significance. Last evaluated: 2023-05-04. Review status: criteria provided, single submitter. Criteria: ACMG Guidelines, 2015. Collection method: clinical testing. Allele origin: germline.

Labcorp Genetics (formerly Invitae), Labcorp
Classification: Uncertain significance. Last evaluated: 2022-07-11. Review status: criteria provided, single submitter. Criteria: Invitae Variant Classification Sherloc (09022015). Collection method: clinical testing. Allele origin: germline.
Comment: This sequence change replaces glutamic acid, which is acidic and polar, with lysine, which is basic and polar, at codon 237 of the EYS protein (p.Glu237Lys). This variant is present in population databases (rs372875560, gnomAD 0.01%). This variant has not been reported in the literature in individuals affected with EYS-related conditions. ClinVar contains an entry for this variant (Variation ID: 1433439). Algorithms developed to predict the effect of missense changes on protein structure and function output the following: SIFT: "Tolerated"; PolyPhen-2: "Benign"; Align-GVGD: "Class C0". The lysine amino acid residue is found in multiple mammalian species, which suggests that this missense change does not adversely affect protein function. In summary, the available evidence is currently insufficient to determine the role of this variant in disease. Therefore, it has been classified as a Variant of Uncertain Significance.

NM_001142800.2(EYS):c.709G>A (p.Glu237Lys)

Gene: EYS (EGF-like photoreceptor maintenance factor; minus strand). Cytogenetic location: 6q12.
Variant type: single nucleotide variant.
Coding change: c.709G>A on transcript NM_001142800.2 (MANE Select); coding-DNA position 709, G replaced by A.
Protein change: p.Glu237Lys; replaces glutamic acid 237 with lysine.
Molecular consequence: missense variant.
Genome position (GRCh38, 1-based): chr6:65,494,702, C>T on the plus strand (G>A on the coding strand, the complement: EYS is on the minus strand). VCF-style: chr6-65494702-C-T. GRCh37 (hg19) VCF-style: chr6-66204595-C-T.
Other names: c.709G>A (NM_001142800.1); c.709G>A, p.Glu237Lys (NM_001142801.2, NM_001292009.2, NM_198283.2); short protein forms E237K.
Identifiers: ClinVar variation 1433439 (VCV001433439.5), dbSNP rs372875560, ClinGen allele CA3878030.